The following is an entry in ClinVar:

ClinVar aggregate classification (germline): Uncertain significance (1 of 4 stars; one submission).

Conditions:
EGFR-related lung cancer (EGFR). Identifiers: MedGen CN130014.

Allele frequency attached by ClinVar (database versions not stated): gnomAD exomes below 0.00001.
gnomAD v4.1: 2 of 1,614,062 alleles (0.00012%); highest among the groups gnomAD compares: Non-Finnish European, 0.00017%; no homozygotes.

Submission:

Labcorp Genetics (formerly Invitae), Labcorp
Classification: Uncertain significance for EGFR-related lung cancer. Last evaluated: 2023-12-06. Review status: criteria provided, single submitter. Criteria: Invitae Variant Classification Sherloc (09022015). Collection method: clinical testing. Allele origin: germline.
Comment: This sequence change replaces serine, which is neutral and polar, with threonine, which is neutral and polar, at codon 1036 of the EGFR protein (p.Ser1036Thr). This variant is not present in population databases (gnomAD no frequency). This variant has not been reported in the literature in individuals affected with EGFR-related conditions. An algorithm developed to predict the effect of missense changes on protein structure and function (PolyPhen-2) suggests that this variant is likely to be tolerated. In summary, the available evidence is currently insufficient to determine the role of this variant in disease. Therefore, it has been classified as a Variant of Uncertain Significance.

NM_005228.5(EGFR):c.3107G>C (p.Ser1036Thr)

Gene: EGFR (epidermal growth factor receptor; plus strand). Cytogenetic location: 7p11.2.
Variant type: single nucleotide variant.
Coding change: c.3107G>C on transcript NM_005228.5 (MANE Select); coding-DNA position 3107, G replaced by C.
Protein change: p.Ser1036Thr; replaces serine 1036 with threonine.
Molecular consequence: missense variant.
Genome position (GRCh38, 1-based): chr7:55,201,348, G>C. VCF-style: chr7-55201348-G-C. GRCh37 (hg19) VCF-style: chr7-55269041-G-C.
Other names: c.2972G>C, p.Ser991Thr (NM_001346897.2, NM_001346899.2); c.3107G>C, p.Ser1036Thr (NM_001346898.2); c.2948G>C, p.Ser983Thr (NM_001346900.2); c.2306G>C, p.Ser769Thr (NM_001346941.2); short protein forms S1036T, S983T, S991T, S769T.
Identifiers: ClinVar variation 2838966 (VCV002838966.3), dbSNP rs2128971793, ClinGen allele CA367582789.
Genomic context (GRCh38, chr7:55,201,348, plus strand): 5'-ACCTCATCCCACAGCAGGGCTTCTTCAGCAGCCCCTCCACGTCACGGACTCCCCTCCTGA[G>C]CTCTCTGGTATGAAATCTCTGTCTCTCTCTCTCTCTCAAGCTGTGTCTACTCATTTGAAC-3'
Protein context (NP_005219.2, residues 1026-1046): SPSTSRTPLL[Ser1036Thr]SLSATSNNST